The following is an entry in ClinVar:

ClinVar aggregate classification (germline): Likely benign (1 of 4 stars; one submission).

Submission:

CeGaT Center for Human Genetics Tuebingen
Classification: Likely benign. Last evaluated: 2026-03-01. Review status: criteria provided, single submitter. Criteria: CeGaT Center For Human Genetics Tuebingen Variant Classification Criteria Version 2. Collection method: clinical testing. Allele origin: germline. Affected: yes. Observed: 1 variant allele.
Comment: MAPK8IP1: PM2:Supporting, BP4, BP7

NM_005456.4(MAPK8IP1):c.606G>A (p.Gly202=)

Gene: MAPK8IP1 (mitogen-activated protein kinase 8 interacting protein 1; plus strand). Cytogenetic location: 11p11.2.
Variant type: single nucleotide variant.
Coding change: c.606G>A on transcript NM_005456.4 (MANE Select); coding-DNA position 606, G replaced by A.
Protein change: p.Gly202=; no amino-acid change (glycine 202 retained).
Molecular consequence: synonymous variant.
Genome position (GRCh38, 1-based): chr11:45,902,373, G>A. VCF-style: chr11-45902373-G-A. GRCh37 (hg19) VCF-style: chr11-45923924-G-A.
Identifiers: ClinVar variation 4821594 (VCV004821594.4).
Genomic context (GRCh38, chr11:45,902,373, plus strand): 5'-GTGCAGGTAGCTGGGAGTTGGGAGAGAGCCCCTGCCTTCATGACCTGCCTGCTCTCCAGG[G>A]GAGCAGACACCACCGCATGAACACATCTGCCTGAGCGATGAGCTGCCCCCCCAGAGCGGC-3'
Protein context (NP_005447.1, residues 192-212): VSRSSSPLKT[Gly202=]EQTPPHEHIC